The following is an entry in ClinVar:

ClinVar aggregate classification (germline): Uncertain significance (1 of 4 stars; one submission).

Submission:

Dasa
Classification: Uncertain significance. Last evaluated: 2025-11-08. Review status: criteria provided, single submitter. Criteria: DASA Assertion Criteria. Collection method: clinical testing. Allele origin: germline.
Comment: NM_001961.4(EEF2):c.1232A>T (p.Tyr411Phe) is a missense variant that results in the substitution of tyrosine with phenylalanine. This variant is absent from population databases. The currently available literature and clinical evidence are not sufficient to establish a definitive association between this variant and the reported condition. Therefore, this variant is classified as a variant of uncertain significance.

NM_001961.4(EEF2):c.1232A>T (p.Tyr411Phe)

Gene: EEF2 (eukaryotic translation elongation factor 2; minus strand). Cytogenetic location: 19p13.3.
Variant type: single nucleotide variant.
Coding change: c.1232A>T on transcript NM_001961.4 (MANE Select); coding-DNA position 1232, A replaced by T.
Protein change: p.Tyr411Phe; replaces tyrosine 411 with phenylalanine.
Molecular consequence: missense variant.
Genome position (GRCh38, 1-based): chr19:3,980,628, T>A on the plus strand (A>T on the coding strand, the complement: EEF2 is on the minus strand). VCF-style: chr19-3980628-T-A. GRCh37 (hg19) VCF-style: chr19-3980626-T-A.
Other names: short protein forms Y411F.
Identifiers: ClinVar variation 4886141 (VCV004886141.2).
Genomic context (GRCh38, chr19:3,980,628, plus strand): 5'-CCCATGATCCTGACCTTCAGGCCAGTGGAGACCAGCCCCGAGAAGACTCGTCCAAAGGCG[T>A]AGAACCGACCTTTGTCGGAGGTTGGCACCATTTTGGAAATATACATCATAAGAGGGCCTT-3'
Protein context (NP_001952.1, residues 401-421): MVPTSDKGRF[Tyr411Phe]AFGRVFSGLV